The following is an entry in ClinVar:

NM_001134888.3(RTL1):c.3600C>T (p.Phe1200=)

Gene: RTL1 (retrotransposon Gag like 1; minus strand). Cytogenetic location: 14q32.2.
Variant type: single nucleotide variant.
Coding change: c.3600C>T on transcript NM_001134888.3 (MANE Select); coding-DNA position 3600, C replaced by T.
Protein change: p.Phe1200=; no amino-acid change (phenylalanine 1200 retained).
Molecular consequence: synonymous variant.
Genome position (GRCh38, 1-based): chr14:100,881,189, G>A on the plus strand (C>T on the coding strand, the complement: RTL1 is on the minus strand). VCF-style: chr14-100881189-G-A. GRCh37 (hg19) VCF-style: chr14-101347526-G-A.
Identifiers: ClinVar variation 712735 (VCV000712735.28), dbSNP rs369840377, ClinGen allele CA7347091.
Genomic context (GRCh38, chr14:100,881,189, plus strand): 5'-CAGGTAGCGGTTCTGACGCAGGGCAGGGAGGTGGCCCTCCTGGGGGGTGACTCTGACACC[G>A]AAGAACTCACACAGCGTCAGCCAGAAGCCAGGGGTGAACTGCAGGCCTCGGTGGGCCTGG-3'
Protein context (NP_001128360.1, residues 1190-1210): PGFWLTLCEF[Phe1200=]GVRVTPQEGH

ClinVar aggregate classification (germline): Likely benign. Review status: criteria provided, multiple submitters, no conflicts (2 of 4 stars). 3 submissions from 3 submitters: Likely benign (3). Last evaluated 2022-11-01.

Allele frequency attached by ClinVar (database versions not stated): TOPMed 0.00008; ESP Exome Variant Server 0.00022; ExAC 0.00006; gnomAD 0.00006; gnomAD exomes 0.00007.
gnomAD v4.1: 113 of 1,541,428 alleles (0.0073%); highest among the groups gnomAD compares: Middle Eastern, 0.28%; no homozygotes.

Submissions (3):

CeGaT Center for Human Genetics Tuebingen
Classification: Likely benign. Last evaluated: 2022-11-01. Review status: criteria provided, single submitter. Criteria: CeGaT Center For Human Genetics Tuebingen Variant Classification Criteria Version 2. Collection method: clinical testing. Allele origin: germline. Affected: yes. Observed: 1 variant allele.
Comment: RTL1: BP4, BP7

Labcorp Genetics (formerly Invitae), Labcorp
Classification: Likely benign. Last evaluated: 2018-11-15. Review status: criteria provided, single submitter. Criteria: Invitae Variant Classification Sherloc (09022015). Collection method: clinical testing. Allele origin: germline.

Breakthrough Genomics
Classification: Likely benign. Review status: criteria provided, single submitter. Criteria: ACMG Guidelines, 2015. Collection method: not provided. Allele origin: germline. Inheritance: Unknown mechanism. Affected: yes.